The following is an entry in ClinVar:

ClinVar aggregate classification (germline): Likely benign. Review status: criteria provided, multiple submitters, no conflicts (2 of 4 stars). 2 submissions from 2 submitters: Likely benign (2). Last evaluated 2026-09-01.

Conditions:
Ornithine carbamoyltransferase deficiency (OTCD). Also called: ORNITHINE TRANSCARBAMYLASE DEFICIENCY, HYPERAMMONEMIA DUE TO; Ornithine Carbamoyltransferase Deficiency Disease; ORNITHINE TRANSCARBAMYLASE DEFICIENCY; OTC DEFICIENCY. Identifiers: Orphanet 664, MedGen C0268542, MONDO:0010703, OMIM 311250.

Submissions (2):

CeGaT Center for Human Genetics Tuebingen
Classification: Likely benign. Last evaluated: 2026-09-01. Review status: criteria provided, single submitter. Criteria: CeGaT Center For Human Genetics Tuebingen Variant Classification Criteria Version 2. Collection method: clinical testing. Allele origin: germline. Affected: yes. Observed: 4 variant alleles.
Comment: OTC: PM2:Supporting, BP4, BP7

Labcorp Genetics (formerly Invitae), Labcorp
Classification: Likely benign for Ornithine carbamoyltransferase deficiency. Last evaluated: 2023-01-17. Review status: criteria provided, single submitter. Criteria: Invitae Variant Classification Sherloc (09022015). Collection method: clinical testing. Allele origin: germline.

NM_000531.6(OTC):c.840T>G (p.Ala280=)

Gene: OTC (ornithine transcarbamylase; plus strand). Cytogenetic location: Xp11.4.
Variant type: single nucleotide variant.
Coding change: c.840T>G on transcript NM_000531.6 (MANE Select); coding-DNA position 840, T replaced by G.
Protein change: p.Ala280=; no amino-acid change (alanine 280 retained).
Molecular consequence: synonymous variant.
Genome position (GRCh38, 1-based): chrX:38,408,998, T>G. VCF-style: chrX-38408998-T-G. GRCh37 (hg19) VCF-style: chrX-38268251-T-G.
Other names: c.840T>G, p.Ala280= (NM_001407092.1).
Identifiers: ClinVar variation 1701596 (VCV001701596.36), dbSNP rs2147345258, ClinGen allele CA515642355.